The following is an entry in ClinVar:

ClinVar aggregate classification (germline): Benign/Likely benign (0 of 4 stars; one submission).

Submission:

GeneDx
Classification: Benign/Likely benign. Last evaluated: 2011-04-30. Review status: no assertion criteria provided. Collection method: clinical testing. Allele origin: not provided. Affected: yes. Observed: 11 variant alleles. Clinical features observed: Developmental delay AND/OR other significant developmental or morphological phenotypes.
Comment: Likely benign (2), Benign (9)

GRCh38/hg38 17q21.32(chr17:47522632-47585157)x3

Genes: NPEPPS (aminopeptidase puromycin sensitive; plus strand), LOC130061052 (ATAC-STARR-seq lymphoblastoid silent region 8628; plus strand), LOC130061053 (ATAC-STARR-seq lymphoblastoid silent region 8629; plus strand). Cytogenetic location: 17q21.32.
Variant type: copy number gain.
Change: copy number 3 (three copies instead of two) of chr17:47,522,632-47,585,157 (62.5 kb, GRCh38 coordinates, 1-based), cytogenetic band 17q21.32.
Identifiers: ClinVar variation 145068 (VCV000145068.1).